The following is an entry in ClinVar:

ClinVar aggregate classification (germline): Uncertain significance (1 of 4 stars; one submission).

gnomAD v4.1: 1 of 1,563,856 alleles (0.000064%); highest among the groups gnomAD compares: South Asian, 0.0011%; no homozygotes.

Submission:

Labcorp Genetics (formerly Invitae), Labcorp
Classification: Uncertain significance. Last evaluated: 2025-10-06. Review status: criteria provided, single submitter. Criteria: Invitae Variant Classification Sherloc (09022015). Collection method: clinical testing. Allele origin: germline.
Comment: This sequence change replaces leucine, which is neutral and non-polar, with valine, which is neutral and non-polar, at codon 616 of the DVL1 protein (p.Leu616Val). This variant is not present in population databases (gnomAD no frequency). This variant has not been reported in the literature in individuals affected with DVL1-related conditions. Experimental studies and prediction algorithms are not available or were not evaluated, and the functional significance of this variant is currently unknown. In summary, the available evidence is currently insufficient to determine the role of this variant in disease. Therefore, it has been classified as a Variant of Uncertain Significance.

NM_001330311.2(DVL1):c.1921C>G (p.Leu641Val)

Gene: DVL1 (dishevelled segment polarity protein 1; minus strand). Cytogenetic location: 1p36.33.
Variant type: single nucleotide variant.
Coding change: c.1921C>G on transcript NM_001330311.2 (MANE Select); coding-DNA position 1921, C replaced by G.
Protein change: p.Leu641Val; replaces leucine 641 with valine.
Molecular consequence: missense variant.
Genome position (GRCh38, 1-based): chr1:1,336,309, G>C on the plus strand (C>G on the coding strand, the complement: DVL1 is on the minus strand). VCF-style: chr1-1336309-G-C. GRCh37 (hg19) VCF-style: chr1-1271689-G-C.
Other names: c.1846C>G, p.Leu616Val (NM_004421.3); short protein forms L616V, L641V.
Identifiers: ClinVar variation 4701619 (VCV004701619.1).